The following is an entry in ClinVar:

ClinVar aggregate classification (germline): Uncertain significance. Review status: criteria provided, multiple submitters, no conflicts (2 of 4 stars). 2 submissions from 2 submitters: Uncertain significance (2). Last evaluated 2025-07-19.

Conditions:
Pheochromocytoma/paraganglioma syndrome 3. Also called: GLOMUS TUMORS, FAMILIAL, 3; Paragangliomas 3; SDHC-Related Hereditary Paraganglioma-Pheochromocytoma Syndrome (Paragangliomas 3); SDHC-Related Hereditary Paraganglioma-Pheochromocytoma Syndrome. Identifiers: Orphanet 29072, MedGen C1854336, MONDO:0011544, OMIM 605373.
Gastrointestinal stromal tumor. Also called: Gastrointestinal stroma tumor; Gastrointestinal stromal tumor, somatic. Identifiers: Orphanet 44890, MedGen C0238198, MeSH D046152, MONDO:0011719, OMIM 606764, HP:0100723.
Hereditary cancer-predisposing syndrome. Also called: Tumor predisposition; Hereditary Cancer Syndrome; Hereditary neoplastic syndrome; Neoplastic Syndromes, Hereditary. Identifiers: Orphanet 140162, MedGen C0027672, MeSH D009386, MONDO:0015356.

Allele frequency attached by ClinVar (database versions not stated): gnomAD exomes below 0.00001 and 0.00001; TOPMed below 0.00001; gnomAD 0.00001.
gnomAD v4.1: 2 of 1,613,844 alleles (0.00012%); highest among the groups gnomAD compares: East Asian, 0.0022%; no homozygotes.

Submissions (2):

Ambry Genetics
Classification: Uncertain significance for Hereditary cancer-predisposing syndrome. Last evaluated: 2025-07-19. Review status: criteria provided, single submitter. Criteria: Ambry Variant Classification Scheme 2023. Collection method: clinical testing. Allele origin: germline.
Comment: The p.S83C variant (also known as c.248C>G), located in coding exon 5 of the SDHC gene, results from a C to G substitution at nucleotide position 248. The serine at codon 83 is replaced by cysteine, an amino acid with dissimilar properties. This amino acid position is well conserved in available vertebrate species. In addition, the in silico prediction for this alteration is inconclusive. Based on the available evidence, the clinical significance of this variant remains unclear.

Labcorp Genetics (formerly Invitae), Labcorp
Classification: Uncertain significance for Pheochromocytoma/paraganglioma syndrome 3; Gastrointestinal stromal tumor. Last evaluated: 2023-09-30. Review status: criteria provided, single submitter. Criteria: Invitae Variant Classification Sherloc (09022015). Collection method: clinical testing. Allele origin: germline.
Comment: This sequence change replaces serine, which is neutral and polar, with cysteine, which is neutral and slightly polar, at codon 83 of the SDHC protein (p.Ser83Cys). An algorithm developed to predict the effect of missense changes on protein structure and function (PolyPhen-2) suggests that this variant is likely to be disruptive. In summary, the available evidence is currently insufficient to determine the role of this variant in disease. Therefore, it has been classified as a Variant of Uncertain Significance. ClinVar contains an entry for this variant (Variation ID: 1401694). This variant is present in population databases (no rsID available, gnomAD 0.006%). This variant has not been reported in the literature in individuals affected with SDHC-related conditions.

NM_003001.5(SDHC):c.248C>G (p.Ser83Cys)

Gene: SDHC (succinate dehydrogenase complex subunit C; plus strand). Cytogenetic location: 1q23.3.
Variant type: single nucleotide variant.
Coding change: c.248C>G on transcript NM_003001.5 (MANE Select); coding-DNA position 248, C replaced by G.
Protein change: p.Ser83Cys; replaces serine 83 with cysteine.
Molecular consequence: missense variant. On other transcripts: non-coding transcript variant (1), intron variant (3).
Genome position (GRCh38, 1-based): chr1:161,356,683, C>G. VCF-style: chr1-161356683-C-G. GRCh37 (hg19) VCF-style: chr1-161326473-C-G.
Other names: c.368C>G, p.Ser123Cys (NM_001407115.1); c.191C>G, p.Ser64Cys (NM_001407116.1); c.185C>G, p.Ser62Cys (NM_001407117.1); c.140C>G, p.Ser47Cys (NM_001407118.1); c.137C>G, p.Ser46Cys (NM_001407119.1, NM_001407120.1); c.242-5646C>G (NM_001035511.3); c.140-5646C>G (NM_001278172.3); c.185-5646C>G (NM_001407121.1); and 2 more; short protein forms S83C, S30C, S49C, S123C, S47C, S62C, S46C, S64C.
Identifiers: ClinVar variation 1401694 (VCV001401694.12), dbSNP rs1227520085, ClinGen allele CA343456228.